The following is an entry in ClinVar:

NM_183075.3(CYP2U1):c.1033_1034del (p.Ile345fs)

Gene: CYP2U1 (cytochrome P450 family 2 subfamily U member 1; plus strand). Cytogenetic location: 4q25.
Variant type: Microsatellite.
Coding change: c.1033_1034del on transcript NM_183075.3 (MANE Select); coding-DNA positions 1033 to 1034, 2 bases deleted (AT; older notation c.1033_1034delAT).
Protein change: p.Ile345fs; shifts the reading frame from isoleucine 345.
Molecular consequence: frameshift variant.
Genome position (GRCh38, 1-based): chr4:107,945,512-107,945,513, AT deleted; deleting any 2 consecutive bases within chr4:107,945,509-107,945,513 gives the same sequence; the c. name uses the placement nearest the transcript's 3' end. VCF-style (leftmost placement, unchanged base first): chr4-107945508-TTA-T. GRCh37 (hg19) VCF-style: chr4-108866664-TTA-T.
Other names: short protein forms I345fs.
Identifiers: ClinVar variation 659414 (VCV000659414.5), dbSNP rs1578729121, ClinGen allele CA915943181.

ClinVar aggregate classification (germline): Pathogenic (1 of 4 stars; one submission).

Conditions:
Spastic paraplegia. Identifiers: MedGen C0037772, HP:0001258.

Submission:

Labcorp Genetics (formerly Invitae), Labcorp
Classification: Pathogenic for Spastic paraplegia. Last evaluated: 2024-01-08. Review status: criteria provided, single submitter. Criteria: Invitae Variant Classification Sherloc (09022015). Collection method: clinical testing. Allele origin: germline.
Comment: This sequence change creates a premature translational stop signal (p.Ile345Hisfs*10) in the CYP2U1 gene. It is expected to result in an absent or disrupted protein product. Loss-of-function variants in CYP2U1 are known to be pathogenic (PMID: 23176821, 26936192, 27292318). This variant is not present in population databases (gnomAD no frequency). This variant has not been reported in the literature in individuals affected with CYP2U1-related conditions. ClinVar contains an entry for this variant (Variation ID: 659414). Algorithms developed to predict the effect of sequence changes on RNA splicing suggest that this variant may disrupt the consensus splice site. For these reasons, this variant has been classified as Pathogenic.

Literature cited by the submitters: PubMed 23176821; PubMed 26936192; PubMed 27292318.